The following is an entry in ClinVar:

ClinVar aggregate classification (germline): Uncertain significance (1 of 4 stars; one submission).

Allele frequency attached by ClinVar (database versions not stated): TOPMed 0.00002.
gnomAD v4.1: 6 of 1,611,094 alleles (0.00037%); highest among the groups gnomAD compares: African/African-American, 0.004%; no homozygotes.

Submission:

Labcorp Genetics (formerly Invitae), Labcorp
Classification: Uncertain significance. Last evaluated: 2021-11-29. Review status: criteria provided, single submitter. Criteria: Invitae Variant Classification Sherloc (09022015). Collection method: clinical testing. Allele origin: germline.
Comment: In summary, the available evidence is currently insufficient to determine the role of this variant in disease. Therefore, it has been classified as a Variant of Uncertain Significance. Algorithms developed to predict the effect of missense changes on protein structure and function are either unavailable or do not agree on the potential impact of this missense change (SIFT: "Deleterious"; PolyPhen-2: "Probably Damaging"; Align-GVGD: "Class C0"). ClinVar contains an entry for this variant (Variation ID: 845020). This variant has not been reported in the literature in individuals affected with CLDN19-related conditions. This variant is present in population databases (rs751576939, gnomAD 0.003%). This sequence change replaces valine, which is neutral and non-polar, with leucine, which is neutral and non-polar, at codon 44 of the CLDN19 protein (p.Val44Leu).

NM_148960.3(CLDN19):c.130G>T (p.Val44Leu)

Gene: CLDN19 (claudin 19; minus strand). Cytogenetic location: 1p34.2.
Variant type: single nucleotide variant.
Coding change: c.130G>T on transcript NM_148960.3 (MANE Select); coding-DNA position 130, G replaced by T.
Protein change: p.Val44Leu; replaces valine 44 with leucine.
Molecular consequence: missense variant.
Genome position (GRCh38, 1-based): chr1:42,739,934, C>A on the plus strand (G>T on the coding strand, the complement: CLDN19 is on the minus strand). VCF-style: chr1-42739934-C-A. GRCh37 (hg19) VCF-style: chr1-43205605-C-A.
Other names: c.130G>T, p.Val44Leu (NM_001123395.2, NM_001185117.2); short protein forms V44L.
Identifiers: ClinVar variation 845020 (VCV000845020.7), dbSNP rs751576939, ClinGen allele CA801470.
Genomic context (GRCh38, chr1:42,739,934, plus strand): 5'-ACTGCACTTGCCCAGTGCTCTGGGAGGCGCAGGACATCCAGAGCCCTTCATAGAGGCCCA[C>A]GGCAGTGATGATGGCGTCGCCTGCGTAGGAAGACTGCTTCCACTGTGGCAGGGCTGTGCT-3'
Protein context (NP_683763.2, residues 34-54): SYAGDAIITA[Val44Leu]GLYEGLWMSC